The following is an entry in ClinVar:

ClinVar aggregate classification (germline): Uncertain significance (1 of 4 stars; one submission).

Conditions:
Ullrich congenital muscular dystrophy 2 (UCMD2). Identifiers: Orphanet 75840, MedGen C4225314, MONDO:0014654, OMIM 616470.
Bethlem myopathy 2 (BTHLM2). Identifiers: Orphanet 536516, Orphanet 610, MedGen C4225313, MONDO:0034022, OMIM 616471.

gnomAD v4.1: 16 of 1,614,138 alleles (0.00099%); highest among the groups gnomAD compares: Non-Finnish European, 0.0014%; no homozygotes.

Submission:

Labcorp Genetics (formerly Invitae), Labcorp
Classification: Uncertain significance for Bethlem myopathy 2; Ullrich congenital muscular dystrophy 2. Last evaluated: 2024-10-07. Review status: criteria provided, single submitter. Criteria: Invitae Variant Classification Sherloc (09022015). Collection method: clinical testing. Allele origin: germline.
Comment: This sequence change replaces proline, which is neutral and non-polar, with alanine, which is neutral and non-polar, at codon 2817 of the COL12A1 protein (p.Pro2817Ala). This variant is not present in population databases (gnomAD no frequency). This variant has not been reported in the literature in individuals affected with COL12A1-related conditions. An algorithm developed to predict the effect of missense changes on protein structure and function (PolyPhen-2) suggests that this variant is likely to be disruptive. In summary, the available evidence is currently insufficient to determine the role of this variant in disease. Therefore, it has been classified as a Variant of Uncertain Significance.

NM_004370.6(COL12A1):c.8449C>G (p.Pro2817Ala)

Gene: COL12A1 (collagen type XII alpha 1 chain; minus strand). Cytogenetic location: 6q13.
Variant type: single nucleotide variant.
Coding change: c.8449C>G on transcript NM_004370.6 (MANE Select); coding-DNA position 8449, C replaced by G.
Protein change: p.Pro2817Ala; replaces proline 2817 with alanine.
Molecular consequence: missense variant.
Genome position (GRCh38, 1-based): chr6:75,102,019, G>C on the plus strand (C>G on the coding strand, the complement: COL12A1 is on the minus strand). VCF-style: chr6-75102019-G-C. GRCh37 (hg19) VCF-style: chr6-75811735-G-C.
Other names: c.8449C>G, p.Pro2817Ala (NM_001424113.1); c.8428C>G, p.Pro2810Ala (NM_001424114.1); c.8176C>G, p.Pro2726Ala (NM_001424115.1); c.4957C>G, p.Pro1653Ala (NM_001424116.1, NM_080645.3); short protein forms P1653A, P2726A, P2810A, P2817A.
Identifiers: ClinVar variation 3761803 (VCV003761803.2).